The following is an entry in ClinVar:

ClinVar aggregate classification (germline): Uncertain significance. Review status: criteria provided, multiple submitters, no conflicts (2 of 4 stars). 2 submissions from 2 submitters: Uncertain significance (2). Last evaluated 2024-03-08.

Conditions:
Desbuquois dysplasia 1 (DBQD1). Also called: DESBUQUOIS DYSPLASIA 1, KIM VARIANT; MICROMELIC DWARFISM WITH VERTEBRAL AND METAPHYSEAL ABNORMALITIES AND ADVANCED CARPOTARSAL OSSIFICATION. Identifiers: Orphanet 1425, MedGen C4012146, MONDO:0009629, OMIM 251450.
Inborn genetic diseases. Identifiers: MedGen C0950123, MeSH D030342.

gnomAD v4.1: 2 of 1,496,644 alleles (0.00013%); highest among the groups gnomAD compares: East Asian, 0.0023%; no homozygotes.

Submissions (2):

Ambry Genetics
Classification: Uncertain significance for Inborn genetic diseases. Last evaluated: 2024-03-08. Review status: criteria provided, single submitter. Criteria: Ambry Variant Classification Scheme 2023. Collection method: clinical testing. Allele origin: germline.

Labcorp Genetics (formerly Invitae), Labcorp
Classification: Uncertain significance for Desbuquois dysplasia 1. Last evaluated: 2022-07-20. Review status: criteria provided, single submitter. Criteria: Invitae Variant Classification Sherloc (09022015). Collection method: clinical testing. Allele origin: germline.
Comment: This sequence change replaces leucine, which is neutral and non-polar, with valine, which is neutral and non-polar, at codon 303 of the XYLT1 protein (p.Leu303Val). This variant is not present in population databases (gnomAD no frequency). This variant has not been reported in the literature in individuals affected with XYLT1-related conditions. Algorithms developed to predict the effect of missense changes on protein structure and function (SIFT, PolyPhen-2, Align-GVGD) all suggest that this variant is likely to be tolerated. In summary, the available evidence is currently insufficient to determine the role of this variant in disease. Therefore, it has been classified as a Variant of Uncertain Significance.

NM_022166.4(XYLT1):c.907C>G (p.Leu303Val)

Gene: XYLT1 (xylosyltransferase 1; minus strand). Cytogenetic location: 16p12.3.
Variant type: single nucleotide variant.
Coding change: c.907C>G on transcript NM_022166.4 (MANE Select); coding-DNA position 907, C replaced by G.
Protein change: p.Leu303Val; replaces leucine 303 with valine.
Molecular consequence: missense variant.
Genome position (GRCh38, 1-based): chr16:17,258,994, G>C on the plus strand (C>G on the coding strand, the complement: XYLT1 is on the minus strand). VCF-style: chr16-17258994-G-C. GRCh37 (hg19) VCF-style: chr16-17352851-G-C.
Other names: c.907C>G (NM_022166.3); short protein forms L303V.
Identifiers: ClinVar variation 2150789 (VCV002150789.2), dbSNP rs778430460, ClinGen allele CA394891678.